The following is an entry in ClinVar:

ClinVar aggregate classification (germline): Uncertain significance (1 of 4 stars; one submission).

Conditions:
Cohen syndrome (COH1). Also called: Cutis verticis gyrata, retinitis pigmentosa, and sensorineural deafness; PEPPER SYNDROME. Identifiers: Orphanet 193, MedGen C0265223, MONDO:0008999, OMIM 216550.

Submission:

Labcorp Genetics (formerly Invitae), Labcorp
Classification: Uncertain significance for Cohen syndrome. Last evaluated: 2022-10-13. Review status: criteria provided, single submitter. Criteria: Invitae Variant Classification Sherloc (09022015). Collection method: clinical testing. Allele origin: germline.
Comment: This variant results in a copy number gain of the genomic region encompassing exon(s) 3-20 of the VPS13B gene. While the exact position of this variant cannot be determined from the data, sub-genic copy number gains are generally in tandem (PMID: 25640679). This variant is predicted to be in-frame, and likely preserves the integrity of the reading frame. This variant has not been reported in the literature in individuals affected with VPS13B-related conditions. Experimental studies and prediction algorithms are not available or were not evaluated, and the functional significance of this variant is currently unknown. In summary, the available evidence is currently insufficient to determine the role of this variant in disease. Therefore, it has been classified as a Variant of Uncertain Significance.

Literature cited by the submitters: PubMed 25640679.

NC_000008.10:g.(?_100050631)_(100396565_?)dup

Gene: VPS13B (vacuolar protein sorting 13 homolog B; plus strand). Cytogenetic location: 8q22.2.
Variant type: Duplication.
Identifiers: ClinVar variation 2426403 (VCV002426403.2).